The following is an entry in ClinVar:

ClinVar aggregate classification (germline): Uncertain significance. Review status: criteria provided, multiple submitters, no conflicts (2 of 4 stars). 5 submissions from 5 submitters: Uncertain significance (5). Last evaluated 2025-11-13.

Conditions:
Cardiovascular phenotype. Identifiers: MedGen CN230736.
Catecholaminergic polymorphic ventricular tachycardia 1. Also called: RYR2-Related Catecholaminergic Polymorphic Ventricular Tachycardia; VENTRICULAR TACHYCARDIA, STRESS-INDUCED POLYMORPHIC 1; VENTRICULAR TACHYCARDIA, CATECHOLAMINERGIC POLYMORPHIC, 1, WITH OR WITHOUT ATRIAL DYSFUNCTION AND/OR DILATED CARDIOMYOPATHY. Identifiers: Orphanet 3286, MedGen C1631597, MONDO:0011484, OMIM 604772.
Catecholaminergic polymorphic ventricular tachycardia 2. Also called: CASQ2-Related Catecholaminergic Polymorphic Ventricular Tachycardia; VENTRICULAR TACHYCARDIA, STRESS-INDUCED POLYMORPHIC 2. Identifiers: Orphanet 3286, MedGen C2677794, MONDO:0012762, OMIM 611938.

Allele frequency attached by ClinVar (database versions not stated): TOPMed below 0.00001; gnomAD 0.00001.
gnomAD v4.1: 14 of 1,607,246 alleles (0.00087%); highest among the groups gnomAD compares: African/African-American, 0.0013%; no homozygotes.

Submissions (5):

Ambry Genetics
Classification: Uncertain significance for Cardiovascular phenotype. Last evaluated: 2025-11-13. Review status: criteria provided, single submitter. Criteria: Ambry Variant Classification Scheme 2023. Collection method: clinical testing. Allele origin: germline.
Comment: The p.S173I variant (also known as c.518G>T), located in coding exon 4 of the CASQ2 gene, results from a G to T substitution at nucleotide position 518. The serine at codon 173 is replaced by isoleucine, an amino acid with dissimilar properties. This alteration has been reported as heterozygous in at least one individual with features consistent with catecholaminergic polymorphic ventricular tachycardia (Ng K et al. Circulation, 2020 09;142:932-947; Titus EW et al. Nat Struct Mol Biol, 2020 Dec;27:1142-1151). In addition, this variant was reported as compound heterozygous in an individual with unexplained cardiac arrest (Ni M et al. JAMA, 2024 Jul;332:204-213). In an assay testing CASQ2 function, studies suggest a functionally abnormal result; however, additional evidence is needed to confirm these findings (Ng K et al. Circulation, 2020 09;142:932-947). This amino acid position is not well conserved in available vertebrate species. In addition, this alteration is predicted to be tolerated by in silico analysis. Based on the available evidence, the clinical significance of this variant remains unclear.

Labcorp Genetics (formerly Invitae), Labcorp
Classification: Uncertain significance for Catecholaminergic polymorphic ventricular tachycardia 1. Last evaluated: 2024-10-17. Review status: criteria provided, single submitter. Criteria: Invitae Variant Classification Sherloc (09022015). Collection method: clinical testing. Allele origin: germline.
Comment: This sequence change replaces serine, which is neutral and polar, with isoleucine, which is neutral and non-polar, at codon 173 of the CASQ2 protein (p.Ser173Ile). This variant is present in population databases (rs786205790, gnomAD 0.01%). This missense change has been observed in individual(s) with catecholaminergic polymorphic ventricular tachycardia (PMID: 32693635). ClinVar contains an entry for this variant (Variation ID: 190742). Invitae Evidence Modeling of protein sequence and biophysical properties (such as structural, functional, and spatial information, amino acid conservation, physicochemical variation, residue mobility, and thermodynamic stability) has been performed for this missense variant. However, the output from this modeling did not meet the statistical confidence thresholds required to predict the impact of this variant on CASQ2 protein function. Experimental studies have shown that this missense change affects CASQ2 function (PMID: 32693635). In summary, the available evidence is currently insufficient to determine the role of this variant in disease. Therefore, it has been classified as a Variant of Uncertain Significance.

Genome-Nilou Lab
Classification: Uncertain significance for Catecholaminergic polymorphic ventricular tachycardia 2. Last evaluated: 2023-04-11. Review status: criteria provided, single submitter. Criteria: ACMG Guidelines, 2015. Collection method: clinical testing. Allele origin: germline. Affected: no.

Fulgent Genetics
Classification: Uncertain significance for Catecholaminergic polymorphic ventricular tachycardia 1; Catecholaminergic polymorphic ventricular tachycardia 2. Last evaluated: 2021-09-01. Review status: criteria provided, single submitter. Criteria: ACMG Guidelines, 2015. Collection method: clinical testing. Allele origin: unknown.

GeneDx
Classification: Uncertain significance. Last evaluated: 2019-12-18. Review status: criteria provided, single submitter. Criteria: GeneDx Variant Classification Process June 2021. Collection method: clinical testing. Allele origin: germline. Affected: yes.
Comment: Not observed at a significant frequency in large population cohorts (Lek et al., 2016); In silico analysis, which includes protein predictors and evolutionary conservation, supports a deleterious effect; Reported as a heterozygous variant in an individual with a personal and family history of CPVT-like tachy-arrhythmias; no familial segregation testing was performed (Titus et al., 2019); of note, this publication lacks current peer review; This variant is associated with the following publications: (PMID: 32693635)

Literature cited by the submitters: PubMed 32693635 (cited by Ambry Genetics and Labcorp Genetics (formerly Invitae), Labcorp); PubMed 33046906 (cited by Ambry Genetics); PubMed 38900490 (cited by Ambry Genetics).

NM_001232.4(CASQ2):c.518G>T (p.Ser173Ile)

Gene: CASQ2 (calsequestrin 2; minus strand). Cytogenetic location: 1p13.1.
Variant type: single nucleotide variant.
Coding change: c.518G>T on transcript NM_001232.4 (MANE Select); coding-DNA position 518, G replaced by T.
Protein change: p.Ser173Ile; replaces serine 173 with isoleucine.
Molecular consequence: missense variant.
Genome position (GRCh38, 1-based): chr1:115,738,238, C>A on the plus strand (G>T on the coding strand, the complement: CASQ2 is on the minus strand). VCF-style: chr1-115738238-C-A. GRCh37 (hg19) VCF-style: chr1-116280859-C-A.
Other names: p.S173I:AGT>ATT; short protein forms S173I.
Identifiers: ClinVar variation 190742 (VCV000190742.12), dbSNP rs786205790, ClinGen allele CA301897.